The following is an entry in ClinVar:

ClinVar aggregate classification (germline): Uncertain significance. Review status: criteria provided, multiple submitters, no conflicts (2 of 4 stars). 2 submissions from 2 submitters: Uncertain significance (2). Last evaluated 2025-09-19.

Allele frequency attached by ClinVar (database versions not stated): TOPMed below 0.00001; gnomAD 0.00001; ExAC 0.00002; gnomAD exomes 0.00002.
gnomAD v4.1: 30 of 1,610,052 alleles (0.0019%); highest among the groups gnomAD compares: East Asian, 0.049%; 1 homozygote.

Submissions (2):

Ambry Genetics
Classification: Uncertain significance. Last evaluated: 2025-09-19. Review status: criteria provided, single submitter. Criteria: Ambry Variant Classification Scheme 2023. Collection method: clinical testing. Allele origin: germline.
Comment: The p.K626E variant (also known as c.1876A>G), located in coding exon 14 of the RECQL gene, results from an A to G substitution at nucleotide position 1876. The lysine at codon 626 is replaced by glutamic acid, an amino acid with similar properties. This amino acid position is conserved. In addition, this alteration is predicted to be tolerated by in silico analysis. Since supporting evidence is limited at this time, the clinical significance of this alteration remains unclear.

Labcorp Genetics (formerly Invitae), Labcorp
Classification: Uncertain significance. Last evaluated: 2022-10-02. Review status: criteria provided, single submitter. Criteria: Invitae Variant Classification Sherloc (09022015). Collection method: clinical testing. Allele origin: germline.
Comment: This variant has not been reported in the literature in individuals affected with RECQL-related conditions. This variant is present in population databases (rs770657063, gnomAD 0.006%). This sequence change replaces lysine, which is basic and polar, with glutamic acid, which is acidic and polar, at codon 626 of the RECQL protein (p.Lys626Glu). In summary, the available evidence is currently insufficient to determine the role of this variant in disease. Therefore, it has been classified as a Variant of Uncertain Significance. Algorithms developed to predict the effect of missense changes on protein structure and function are either unavailable or do not agree on the potential impact of this missense change (SIFT: "Deleterious"; PolyPhen-2: "Benign"; Align-GVGD: "Class C0").

NM_002907.4(RECQL):c.1876A>G (p.Lys626Glu)

Genes: PYROXD1 (pyridine nucleotide-disulphide oxidoreductase domain 1; plus strand), RECQL (RecQ like helicase; minus strand). Cytogenetic location: 12p12.1.
Variant type: single nucleotide variant.
Coding change: c.1876A>G on transcript NM_002907.4 (MANE Select); coding-DNA position 1876, A replaced by G.
Protein change: p.Lys626Glu; replaces lysine 626 with glutamic acid.
Molecular consequence: missense variant. On other transcripts: 3 prime UTR variant (3).
Genome position (GRCh38, 1-based): chr12:21,470,268, T>C on the plus strand (A>G on the coding strand, the complement: RECQL is on the minus strand). VCF-style: chr12-21470268-T-C. GRCh37 (hg19) VCF-style: chr12-21623202-T-C.
Other names: c.1876A>G, p.Lys626Glu (NM_032941.3); c.*1514T>C (NM_001350912.2, NM_001350913.2, NM_024854.5); short protein forms K626E.
Identifiers: ClinVar variation 1781780 (VCV001781780.9), dbSNP rs770657063, ClinGen allele CA6478595.